The following is an entry in ClinVar:

NM_005589.4(ALDH6A1):c.733G>A (p.Val245Ile)

Genes: ALDH6A1 (aldehyde dehydrogenase 6 family member A1; minus strand), BBOF1 (basal body orientation factor 1; plus strand). Cytogenetic location: 14q24.3.
Variant type: single nucleotide variant.
Coding change: c.733G>A on transcript NM_005589.4 (MANE Select); coding-DNA position 733, G replaced by A.
Protein change: p.Val245Ile; replaces valine 245 with isoleucine.
Molecular consequence: missense variant.
Genome position (GRCh38, 1-based): chr14:74,068,979, C>T on the plus strand (G>A on the coding strand, the complement: ALDH6A1 is on the minus strand). VCF-style: chr14-74068979-C-T. GRCh37 (hg19) VCF-style: chr14-74535682-C-T.
Other names: c.694G>A, p.Val232Ile (NM_001278593.2); c.271G>A, p.Val91Ile (NM_001278594.2); short protein forms V245I, V232I, V91I.
Identifiers: ClinVar variation 1381332 (VCV001381332.5), dbSNP rs201987498, ClinGen allele CA7265782.
Genomic context (GRCh38, chr14:74,068,979, plus strand): 5'-CCTTGTTGGATCCCACAAAGCTGATTGCTTTGATGTCCGGATGATCGCAAATAAAATTTA[C>T]AGCTTTAAGAAGAAAATAAATGATCACTCACAAAGGAGCAAATGGATTCTCAACATGGCA-3'
Protein context (NP_005580.1, residues 235-255): LNIIHGQHEA[Val245Ile]NFICDHPDIK

ClinVar aggregate classification (germline): Uncertain significance (1 of 4 stars; one submission).

Allele frequency attached by ClinVar (database versions not stated): gnomAD exomes 0.00002 and 0.00006; ExAC 0.00008; ESP Exome Variant Server 0.00008; TOPMed 0.00017; gnomAD 0.00023 and 0.00024; 1000 Genomes Project 30x 0.00031; 1000 Genomes Project 0.00040.
gnomAD v4.1: 66 of 1,613,062 alleles (0.0041%); highest among the groups gnomAD compares: African/African-American, 0.079%; no homozygotes.

Submission:

Labcorp Genetics (formerly Invitae), Labcorp
Classification: Uncertain significance. Last evaluated: 2022-08-16. Review status: criteria provided, single submitter. Criteria: Invitae Variant Classification Sherloc (09022015). Collection method: clinical testing. Allele origin: germline.
Comment: This sequence change replaces valine, which is neutral and non-polar, with isoleucine, which is neutral and non-polar, at codon 245 of the ALDH6A1 protein (p.Val245Ile). This variant is present in population databases (rs201987498, gnomAD 0.1%). This variant has not been reported in the literature in individuals affected with ALDH6A1-related conditions. ClinVar contains an entry for this variant (Variation ID: 1381332). Algorithms developed to predict the effect of missense changes on protein structure and function are either unavailable or do not agree on the potential impact of this missense change (SIFT: "Deleterious"; PolyPhen-2: "Benign"; Align-GVGD: "Class C25"). In summary, the available evidence is currently insufficient to determine the role of this variant in disease. Therefore, it has been classified as a Variant of Uncertain Significance.